The following is an entry in ClinVar:

ClinVar aggregate classification (germline): Uncertain significance (1 of 4 stars; one submission).

gnomAD v4.1: 3 of 1,611,112 alleles (0.00019%); highest among the groups gnomAD compares: Middle Eastern, 0.017%; no homozygotes.

Submission:

Labcorp Genetics (formerly Invitae), Labcorp
Classification: Uncertain significance. Last evaluated: 2025-02-06. Review status: criteria provided, single submitter. Criteria: Invitae Variant Classification Sherloc (09022015). Collection method: clinical testing. Allele origin: germline.
Comment: This sequence change replaces tyrosine, which is neutral and polar, with cysteine, which is neutral and slightly polar, at codon 794 of the SUCO protein (p.Tyr794Cys). This variant is not present in population databases (gnomAD no frequency). This variant has not been reported in the literature in individuals affected with SUCO-related conditions. An algorithm developed to predict the effect of missense changes on protein structure and function (PolyPhen-2) suggests that this variant is likely to be disruptive. In summary, the available evidence is currently insufficient to determine the role of this variant in disease. Therefore, it has been classified as a Variant of Uncertain Significance.

NM_014283.5(SUCO):c.2381A>G (p.Tyr794Cys)

Gene: SUCO (SUN domain containing ossification factor; plus strand). Cytogenetic location: 1q24.3.
Variant type: single nucleotide variant.
Coding change: c.2381A>G on transcript NM_014283.5 (MANE Select); coding-DNA position 2381, A replaced by G.
Protein change: p.Tyr794Cys; replaces tyrosine 794 with cysteine.
Molecular consequence: missense variant. On other transcripts: intron variant (1).
Genome position (GRCh38, 1-based): chr1:172,589,482, A>G. VCF-style: chr1-172589482-A-G. GRCh37 (hg19) VCF-style: chr1-172558622-A-G.
Other names: c.692A>G, p.Tyr231Cys (NM_001282751.2); c.2834A>G, p.Tyr945Cys (NM_016227.4); c.1712+558A>G (NM_001282750.2); short protein forms Y945C, Y794C, Y231C.
Identifiers: ClinVar variation 4769004 (VCV004769004.1).
Genomic context (GRCh38, chr1:172,589,482, plus strand): 5'-ATAATGAAACAGAACAAAAGTCTGAGAGCTTTAGTTCTATAGAGAAACCATCTATTACCT[A>G]TGAAACAAATAAAGTTAATGAGTTAATGGATAATATTATAAAAGAAGATGTGAACTCCAT-3'
Protein context (NP_055098.1, residues 784-804): FSSIEKPSIT[Tyr794Cys]ETNKVNELMD